The following is an entry in ClinVar:

ClinVar aggregate classification (germline): Uncertain significance (1 of 4 stars; one submission).

Conditions:
LEPR-related disorder. Also called: LEPR-related disorders; LEPR-related condition.

gnomAD v4.1: 10 of 1,613,608 alleles (0.00062%); highest among the groups gnomAD compares: Admixed American, 0.017%; no homozygotes.

Submission:

PreventionGenetics, part of Exact Sciences
Classification: Uncertain significance for LEPR-related condition. Last evaluated: 2026-06-16. Review status: criteria provided, single submitter. Criteria: ACMG Guidelines, 2015. Collection method: clinical testing. Allele origin: germline.
Comment: The LEPR c.1744C>A variant is predicted to result in the amino acid substitution p.Gln582Lys. This variant was observed in a cohort of individuals with obesity, and in vitro functional studies showed inconclusive evidence of loss of function (Supplemental Data Set, Shah et al. 2023. PubMed ID: 36864747). This variant is reported in 0.020% of alleles in individuals of Latino descent in gnomAD. At this time, the clinical significance of this variant is uncertain due to the absence of conclusive functional and genetic evidence.

NM_002303.6(LEPR):c.1744C>A (p.Gln582Lys)

Gene: LEPR (leptin receptor; plus strand). Cytogenetic location: 1p31.3.
Variant type: single nucleotide variant.
Coding change: c.1744C>A on transcript NM_002303.6 (MANE Select); coding-DNA position 1744, C replaced by A.
Protein change: p.Gln582Lys; replaces glutamine 582 with lysine.
Molecular consequence: missense variant.
Genome position (GRCh38, 1-based): chr1:65,608,893, C>A. VCF-style: chr1-65608893-C-A. GRCh37 (hg19) VCF-style: chr1-66074576-C-A.
Other names: c.1744C>A, p.Gln582Lys (NM_001003679.3, NM_001003680.3, NM_001198687.2 and 2 more transcripts); short protein forms Q582K.
Identifiers: ClinVar variation 4988033 (VCV004988033.1).
Genomic context (GRCh38, chr1:65,608,893, plus strand): 5'-GTCTTTCCAGAGAATAACCTTCAATTCCAGATTCGCTATGGTTTAAGTGGAAAAGAAGTA[C>A]AATGGAAGGTACCTTTTACTTAGAACTTCAGCTTTCCTCATTAAATGCTATTTTTATAAT-3'
Protein context (NP_002294.2, residues 572-592): IRYGLSGKEV[Gln582Lys]WKMYEVYDAK